The following is an entry in ClinVar:

ClinVar aggregate classification (germline): Benign/Likely benign. Review status: criteria provided, multiple submitters, no conflicts (2 of 4 stars). 7 submissions from 6 submitters: Benign (3); Likely benign (3). 1 of the submissions does not count toward it. Last evaluated 2026-02-04.

Conditions:
Familial adenomatous polyposis 1 (FAP1). Also called: FAMILIAL ADENOMATOUS POLYPOSIS 1, ATTENUATED; POLYPOSIS, ADENOMATOUS INTESTINAL. Identifiers: MedGen C2713442, MONDO:0021056, OMIM 175100. Disease mechanism: loss of function.

Submissions (7):

Labcorp Genetics (formerly Invitae), Labcorp
Classification: Benign for Familial adenomatous polyposis 1. Last evaluated: 2026-02-04. Review status: criteria provided, single submitter. Criteria: Invitae Variant Classification Sherloc (09022015). Collection method: clinical testing. Allele origin: germline.

Center for Genomic Medicine, Rigshospitalet, Copenhagen University Hospital
Classification: Likely benign. Last evaluated: 2025-03-04. Review status: criteria provided, single submitter. Criteria: ACMG Guidelines, 2015. Collection method: clinical testing. Allele origin: germline.

Blueprint Genetics
Classification: Likely benign. Last evaluated: 2024-11-26. Review status: criteria provided, single submitter. Criteria: ACMG Guidelines, 2015. Collection method: clinical testing. Allele origin: germline.

ARUP Laboratories, Molecular Genetics and Genomics, ARUP Laboratories
Classification: Benign. Last evaluated: 2023-11-01. Review status: criteria provided, single submitter. Criteria: ARUP Molecular Germline Variant Investigation Process 2024. Collection method: clinical testing. Allele origin: germline.

Quest Diagnostics Nichols Institute San Juan Capistrano
Classification: Benign. Last evaluated: 2023-06-20. Review status: criteria provided, single submitter. Criteria: Quest Diagnostics criteria. Collection method: clinical testing. Allele origin: unknown.

GeneDx
Classification: Likely benign. Last evaluated: 2023-04-27. Review status: criteria provided, single submitter. Criteria: GeneDx Variant Classification Process June 2021. Collection method: clinical testing. Allele origin: germline. Affected: yes.
Comment: See Variant Classification Assertion Criteria.

GeneDx
Classification: Likely benign. Last evaluated: 2019-02-21. Review status: flagged submission. Criteria: GeneDx Variant Classification Process June 2021. Collection method: clinical testing. Allele origin: germline. Affected: yes. Not counted in ClinVar's aggregate classification.
ClinVar note: Reason: This record appears to be redundant with a more recent record from the same submitter.
ClinVar note: Notes: SCV001767292 appears to be redundant with SCV000728432.

NM_001127511.3(APC):c.-126dup

Gene: APC (APC regulator of Wnt signaling pathway; plus strand). Cytogenetic location: 5q22.2.
Variant type: Duplication.
Coding change: c.-126dup on transcript NM_001127511.3; 126 bases upstream of the start codon, one base duplicated (G; older notation c.-126dupG).
Molecular consequence: 5 prime UTR variant. On other transcripts: non-coding transcript variant (2).
Genome position (GRCh38, 1-based): chr5:112,707,592, G duplicated; the last of 7 consecutive G bases (chr5:112,707,586-112,707,592); duplicating any one gives the same sequence. VCF-style (leftmost placement, unchanged base first): chr5-112707585-C-CG. GRCh37 (hg19) VCF-style: chr5-112043282-C-CG.
Other names: c.-126dupG (NM_001354897.2); c.-309dup (NM_001354895.2, NM_001407447.1, NM_001407452.1 and 3 more transcripts); c.-126dup (NM_001354897.2, NM_001354902.2, NM_001407446.1); c.-76dup (NM_001407448.1, NM_001407450.1, NM_001407457.1 and 1 more transcripts); c.-100dup (NM_001407453.1); c.-1344dup (NM_001407470.1, NM_001407472.1).
Identifiers: ClinVar variation 516070 (VCV000516070.68), dbSNP rs565045828, ClinGen allele CA124924946.